The following is an entry in ClinVar:

NM_018646.6(TRPV6):c.86G>A (p.Arg29Gln)

Gene: TRPV6 (transient receptor potential cation channel subfamily V member 6; minus strand). Cytogenetic location: 7q34.
Variant type: single nucleotide variant.
Coding change: c.86G>A on transcript NM_018646.6 (MANE Select); coding-DNA position 86, G replaced by A.
Protein change: p.Arg29Gln; replaces arginine 29 with glutamine.
Molecular consequence: missense variant.
Genome position (GRCh38, 1-based): chr7:142,885,551, C>T on the plus strand (G>A on the coding strand, the complement: TRPV6 is on the minus strand). VCF-style: chr7-142885551-C-T. GRCh37 (hg19) VCF-style: chr7-142583296-C-T.
Other names: short protein forms R29Q.
Identifiers: ClinVar variation 2847334 (VCV002847334.3), dbSNP rs374525154, ClinGen allele CA4532984.

ClinVar aggregate classification (germline): Uncertain significance (1 of 4 stars; one submission).

Allele frequency attached by ClinVar (database versions not stated): ESP Exome Variant Server 0.00038.

Submission:

Labcorp Genetics (formerly Invitae), Labcorp
Classification: Uncertain significance. Last evaluated: 2025-09-24. Review status: criteria provided, single submitter. Criteria: Invitae Variant Classification Sherloc (09022015). Collection method: clinical testing. Allele origin: germline.
Comment: This sequence change replaces arginine, which is basic and polar, with glutamine, which is neutral and polar, at codon 29 of the TRPV6 protein (p.Arg29Gln). This variant is present in population databases (rs374525154, gnomAD 0.09%). This variant has not been reported in the literature in individuals affected with TRPV6-related conditions. ClinVar contains an entry for this variant (Variation ID: 2847334). Experimental studies and prediction algorithms are not available or were not evaluated, and the functional significance of this variant is currently unknown. In summary, the available evidence is currently insufficient to determine the role of this variant in disease. Therefore, it has been classified as a Variant of Uncertain Significance.